The following is an entry in ClinVar:

NM_201253.3(CRB1):c.3949A>C (p.Asn1317His)

Gene: CRB1 (crumbs cell polarity complex component 1; plus strand). Cytogenetic location: 1q31.3.
Variant type: single nucleotide variant.
Coding change: c.3949A>C on transcript NM_201253.3 (MANE Select); coding-DNA position 3949, A replaced by C.
Protein change: p.Asn1317His; replaces asparagine 1317 with histidine.
Molecular consequence: missense variant. On other transcripts: non-coding transcript variant (2).
Genome position (GRCh38, 1-based): chr1:197,442,236, A>C. VCF-style: chr1-197442236-A-C. GRCh37 (hg19) VCF-style: chr1-197411366-A-C.
Other names: c.3613A>C, p.Asn1205His (NM_001193640.2); c.3877A>C, p.Asn1293His (NM_001257965.2); c.2341A>C, p.Asn781His (NM_001257966.2); short protein forms N1317H, N781H, N1205H, N1293H.
Identifiers: ClinVar variation 99903 (VCV000099903.11), dbSNP rs62636281, ClinGen allele CA228046.

ClinVar aggregate classification (germline): Uncertain significance. Review status: criteria provided, multiple submitters, no conflicts (2 of 4 stars). 3 submissions from 3 submitters: Uncertain significance (2). 1 of the submissions does not count toward it. Last evaluated 2024-05-14.

Conditions:
Leber congenital amaurosis 8 (LCA8). Identifiers: Orphanet 65, MedGen C3151202, MONDO:0013453, OMIM 613835.
Retinitis pigmentosa 12 (RP12). Also called: RP WITH OR WITHOUT PPRPE; RP WITH OR WITHOUT PRESERVED PARAARTERIOLE RETINAL PIGMENT EPITHELIUM; RETINITIS PIGMENTOSA WITH OR WITHOUT PARAARTERIOLAR PRESERVATION OF RETINAL PIGMENT EPITHELIUM. Identifiers: Orphanet 791, MedGen C1838647, MONDO:0010818, OMIM 600105.

Allele frequency attached by ClinVar (database versions not stated): gnomAD exomes below 0.00001; gnomAD 0.00001; TOPMed 0.00001.
gnomAD v4.1: 3 of 1,614,060 alleles (0.00019%); highest among the groups gnomAD compares: Non-Finnish European, 0.00025%; no homozygotes.

Submissions (3):

Women's Health and Genetics/Laboratory Corporation of America, LabCorp
Classification: Uncertain significance. Last evaluated: 2024-05-14. Review status: criteria provided, single submitter. Criteria: LabCorp Variant Classification Summary - May 2015. Collection method: clinical testing. Allele origin: germline.
Comment: Variant summary: CRB1 c.3949A>C (p.Asn1317His) results in a conservative amino acid change located in the EGF-like domain (IPR000742) of the encoded protein sequence. Three of five in-silico tools predict a damaging effect of the variant on protein function. The variant allele was found at a frequency of 4e-06 in 251452 control chromosomes. The available data on variant occurrences in the general population are insufficient to allow any conclusion about variant significance. c.3949A>C has been reported in the literature in the heterozygous state (only 1 allele) in at least 1 individual affected with Leber congenital amaurosis (example, Lotery_2001). This report does not provide unequivocal conclusions about association of the variant with Retinal Dystrophy. One publication reports experimental evidence evaluating an impact on protein function, however, does not allow convincing conclusions about the variant effect (example, Davids_2007). The following publications have been ascertained in the context of this evaluation (PMID: 17660513, 11231775). ClinVar contains an entry for this variant (Variation ID: 99903). Based on the evidence outlined above, the variant was classified as uncertain significance.

Labcorp Genetics (formerly Invitae), Labcorp
Classification: Uncertain significance for Leber congenital amaurosis 8; Retinitis pigmentosa 12. Last evaluated: 2023-07-07. Review status: criteria provided, single submitter. Criteria: Invitae Variant Classification Sherloc (09022015). Collection method: clinical testing. Allele origin: germline.
Comment: In summary, the available evidence is currently insufficient to determine the role of this variant in disease. Therefore, it has been classified as a Variant of Uncertain Significance. This sequence change replaces asparagine, which is neutral and polar, with histidine, which is basic and polar, at codon 1317 of the CRB1 protein (p.Asn1317His). This variant is present in population databases (rs62636281, gnomAD 0.0009%). This variant has not been reported in the literature in individuals affected with CRB1-related conditions. ClinVar contains an entry for this variant (Variation ID: 99903). Advanced modeling of protein sequence and biophysical properties (such as structural, functional, and spatial information, amino acid conservation, physicochemical variation, residue mobility, and thermodynamic stability) performed at Invitae indicates that this missense variant is expected to disrupt CRB1 protein function. Experimental studies have shown that this missense change affects CRB1 function (PMID: 17660513).

Retina International
No classification provided. Review status: no classification provided. Collection method: not provided. Allele origin: not provided. Not counted in ClinVar's aggregate classification.

Literature cited by the submitters: PubMed 17660513 (cited by Women's Health and Genetics/Laboratory Corporation of America, LabCorp and Labcorp Genetics (formerly Invitae), Labcorp); PubMed 11231775 (cited by Women's Health and Genetics/Laboratory Corporation of America, LabCorp).